The following is an entry in ClinVar:

ClinVar aggregate classification (germline): Benign. Review status: criteria provided, multiple submitters, no conflicts (2 of 4 stars). 2 submissions from 2 submitters: Benign (2). Last evaluated 2018-06-19.

Allele frequency attached by ClinVar (database versions not stated): 1000 Genomes Project 0.00679; 1000 Genomes Project 30x 0.00703; TOPMed 0.01798; ExAC 0.02010; gnomAD exomes 0.02079 and 0.02698; gnomAD 0.02142 and 0.02224; ESP Exome Variant Server 0.02451.
gnomAD v4.1: 41,932 of 1,595,330 alleles (2.6%); highest among the groups gnomAD compares: Non-Finnish European, 3%; 694 homozygotes.

Submissions (2):

GeneDx
Classification: Benign. Last evaluated: 2018-06-19. Review status: criteria provided, single submitter. Criteria: GeneDx Variant Classification (06012015). Collection method: clinical testing. Allele origin: germline. Affected: yes.
Comment: This variant is considered likely benign or benign based on one or more of the following criteria: it is a conservative change, it occurs at a poorly conserved position in the protein, it is predicted to be benign by multiple in silico algorithms, and/or has population frequency not consistent with disease.

Breakthrough Genomics
Classification: Benign. Review status: criteria provided, single submitter. Criteria: ACMG Guidelines, 2015. Collection method: not provided. Allele origin: germline. Inheritance: Autosomal recessive inheritance. Affected: yes.

NM_001199397.3(NEK1):c.869-40A>G

Gene: NEK1 (NIMA related kinase 1; minus strand). Cytogenetic location: 4q33.
Variant type: single nucleotide variant.
Coding change: c.869-40A>G on transcript NM_001199397.3 (MANE Select); 40 bases into the intron before coding-DNA position 869, A replaced by G.
Molecular consequence: intron variant.
Genome position (GRCh38, 1-based): chr4:169,577,119, T>C on the plus strand (A>G on the coding strand, the complement: NEK1 is on the minus strand). VCF-style: chr4-169577119-T-C. GRCh37 (hg19) VCF-style: chr4-170498270-T-C.
Other names: c.869-40A>G (NM_001374421.1, NM_001374420.1, NM_001199399.3 and 7 more transcripts).
Identifiers: ClinVar variation 675044 (VCV000675044.2), dbSNP rs74557505, ClinGen allele CA3137928.